The following is an entry in ClinVar:

ClinVar aggregate classification (germline): Conflicting classifications of pathogenicity. Review status: criteria provided, conflicting classifications (1 of 4 stars). 7 submissions from 7 submitters: Uncertain significance (3); Likely benign (3). 1 of the submissions does not count toward it. Last evaluated 2025-04-22.

Conditions:
Cardiovascular phenotype. Identifiers: MedGen CN230736.
Alstrom syndrome (ALMS). Identifiers: Orphanet 64, MedGen C0268425, MONDO:0008763, OMIM 203800.

Allele frequency attached by ClinVar (database versions not stated): TOPMed 0.00019; gnomAD 0.00020 and 0.00022; gnomAD exomes 0.00027; ExAC 0.00034; ESP Exome Variant Server 0.00059.
gnomAD v4.1: 581 of 1,614,066 alleles (0.036%); highest among the groups gnomAD compares: South Asian, 0.097%; 1 homozygote.

Submissions (7):

GeneDx
Classification: Uncertain significance. Last evaluated: 2025-04-22. Review status: criteria provided, single submitter. Criteria: GeneDx Variant Classification Process June 2021. Collection method: clinical testing. Allele origin: germline. Affected: yes.
Comment: In silico analysis indicates that this missense variant does not alter protein structure/function; Has not been previously published as pathogenic or benign to our knowledge

Blueprint Genetics
Classification: Likely benign. Last evaluated: 2024-10-22. Review status: criteria provided, single submitter. Criteria: ACMG Guidelines, 2015. Collection method: clinical testing. Allele origin: germline.

Labcorp Genetics (formerly Invitae), Labcorp
Classification: Uncertain significance for Alstrom syndrome. Last evaluated: 2022-10-13. Review status: criteria provided, single submitter. Criteria: Invitae Variant Classification Sherloc (09022015). Collection method: clinical testing. Allele origin: germline.
Comment: This sequence change replaces threonine, which is neutral and polar, with serine, which is neutral and polar, at codon 1032 of the ALMS1 protein (p.Thr1032Ser). This variant is present in population databases (rs199922877, gnomAD 0.09%). This variant has not been reported in the literature in individuals affected with ALMS1-related conditions. ClinVar contains an entry for this variant (Variation ID: 198870). Algorithms developed to predict the effect of missense changes on protein structure and function output the following: SIFT: "Not Available"; PolyPhen-2: "Not Available"; Align-GVGD: "Not Available". The serine amino acid residue is found in multiple mammalian species, which suggests that this missense change does not adversely affect protein function. In summary, the available evidence is currently insufficient to determine the role of this variant in disease. Therefore, it has been classified as a Variant of Uncertain Significance.

Ambry Genetics
Classification: Likely benign for Cardiovascular phenotype. Last evaluated: 2021-10-29. Review status: criteria provided, single submitter. Criteria: Ambry Variant Classification Scheme 2023. Collection method: clinical testing. Allele origin: germline.

Center for Pediatric Genomic Medicine, Children's Mercy Hospital and Clinics
Classification: Likely benign. Last evaluated: 2016-09-01. Review status: criteria provided, single submitter. Criteria: ACMG Guidelines, 2015. Collection method: clinical testing. Allele origin: germline.
ClinVar note: Converted during submission from Likely Benign to Likely benign.

Eurofins Ntd Llc (ga)
Classification: Uncertain significance. Last evaluated: 2015-02-17. Review status: criteria provided, single submitter. Criteria: EGL Classification Definitions 2015. Collection method: clinical testing. Allele origin: germline. Observed: 1 variant allele, 1 heterozygote.

Natera, Inc.
Classification: Likely benign for Alstrom syndrome. Last evaluated: 2020-05-02. Review status: no assertion criteria provided. Collection method: clinical testing. Allele origin: germline. Not counted in ClinVar's aggregate classification.

NM_001378454.1(ALMS1):c.3092C>G (p.Thr1031Ser)

Gene: ALMS1 (ALMS1 centrosome and basal body associated protein; plus strand). Cytogenetic location: 2p13.1.
Variant type: single nucleotide variant.
Coding change: c.3092C>G on transcript NM_001378454.1 (MANE Select); coding-DNA position 3092, C replaced by G.
Protein change: p.Thr1031Ser; replaces threonine 1031 with serine.
Molecular consequence: missense variant.
Genome position (GRCh38, 1-based): chr2:73,449,619, C>G. VCF-style: chr2-73449619-C-G. GRCh37 (hg19) VCF-style: chr2-73676746-C-G.
Other names: c.3095C>G, p.Thr1032Ser (NM_015120.4); short protein forms T1032S, T1031S.
Identifiers: ClinVar variation 198870 (VCV000198870.17), dbSNP rs199922877, ClinGen allele CA247726.
Genomic context (GRCh38, chr2:73,449,619, plus strand): 5'-TTTTCTATCAACAGGAGTGGCCAGATAGTTATGCAACTGAAAAGGCTCTGAAAGTTTCAA[C>G]TGGCCCTGGACCAGCTGACCAGAAGACTGAGATACCAGCAGTACAGTCTAGTTCTTACCC-3'
Protein context (NP_001365383.1, residues 1021-1041): YATEKALKVS[Thr1031Ser]GPGPADQKTE